The following is an entry in ClinVar:

NM_017654.4(SAMD9):c.1148A>T (p.Lys383Ile)

Gene: SAMD9 (sterile alpha motif domain containing 9; minus strand). Cytogenetic location: 7q21.2.
Variant type: single nucleotide variant.
Coding change: c.1148A>T on transcript NM_017654.4 (MANE Select); coding-DNA position 1148, A replaced by T.
Protein change: p.Lys383Ile; replaces lysine 383 with isoleucine.
Molecular consequence: missense variant.
Genome position (GRCh38, 1-based): chr7:93,104,950, T>A on the plus strand (A>T on the coding strand, the complement: SAMD9 is on the minus strand). VCF-style: chr7-93104950-T-A. GRCh37 (hg19) VCF-style: chr7-92734263-T-A.
Other names: c.1148A>T, p.Lys383Ile (NM_001193307.2); short protein forms K383I.
Identifiers: ClinVar variation 4827023 (VCV004827023.1).

ClinVar aggregate classification (germline): Uncertain significance (1 of 4 stars; one submission).

Conditions:
Inborn genetic diseases. Identifiers: MedGen C0950123, MeSH D030342.

Submission:

Ambry Genetics
Classification: Uncertain significance for Inborn genetic diseases. Last evaluated: 2026-03-08. Review status: criteria provided, single submitter. Criteria: Ambry Variant Classification Scheme 2023. Collection method: clinical testing. Allele origin: germline.
Comment: The p.K383I variant (also known as c.1148A>T), located in coding exon 1 of the SAMD9 gene, results from an A to T substitution at nucleotide position 1148. The lysine at codon 383 is replaced by isoleucine, an amino acid with dissimilar properties. This amino acid position is conserved. In addition, this alteration is predicted to be tolerated by in silico analysis. Based on the available evidence, the clinical significance of this variant remains unclear.